The following is an entry in ClinVar:

ClinVar aggregate classification (germline): Uncertain significance. Review status: criteria provided, multiple submitters, no conflicts (2 of 4 stars). 2 submissions from 2 submitters: Uncertain significance (2). Last evaluated 2025-10-15.

Conditions:
Hereditary cancer-predisposing syndrome. Also called: Hereditary neoplastic syndrome; Neoplastic Syndromes, Hereditary; Tumor predisposition; Hereditary Cancer Syndrome. Identifiers: Orphanet 140162, MedGen C0027672, MeSH D009386, MONDO:0015356.
Hereditary breast ovarian cancer syndrome. Also called: BRCA1- and BRCA2-Associated Hereditary Breast and Ovarian Cancer; Hereditary breast and ovarian cancer; Hereditary breast and/or ovarian cancer syndrome; Hereditary breast and ovarian cancer syndrome (HBOC); Breast and ovarian cancer; Hereditary breast and ovarian cancer syndrome. Identifiers: Orphanet 145, MedGen C0677776, MeSH D061325, MONDO:0003582. Disease mechanism: loss of function.

Allele frequency attached by ClinVar (database versions not stated): gnomAD exomes below 0.00001.
gnomAD v4.1: 2 of 1,614,142 alleles (0.00012%); highest among the groups gnomAD compares: Non-Finnish European, 0.00017%; no homozygotes.

Submissions (2):

Labcorp Genetics (formerly Invitae), Labcorp
Classification: Uncertain significance for Hereditary breast ovarian cancer syndrome. Last evaluated: 2025-10-15. Review status: criteria provided, single submitter. Criteria: Invitae Variant Classification Sherloc (09022015). Collection method: clinical testing. Allele origin: germline.
Comment: This sequence change replaces arginine, which is basic and polar, with glycine, which is neutral and non-polar, at codon 1397 of the BRCA1 protein (p.Arg1397Gly). This variant is not present in population databases (gnomAD no frequency). This variant has not been reported in the literature in individuals affected with BRCA1-related conditions. ClinVar contains an entry for this variant (Variation ID: 1508878). Invitae Evidence Modeling of protein sequence and biophysical properties (such as structural, functional, and spatial information, amino acid conservation, physicochemical variation, residue mobility, and thermodynamic stability) indicates that this missense variant is expected to disrupt BRCA1 protein function with a positive predictive value of 80%. In summary, the available evidence is currently insufficient to determine the role of this variant in disease. Therefore, it has been classified as a Variant of Uncertain Significance.

Ambry Genetics
Classification: Uncertain significance for Hereditary cancer-predisposing syndrome. Last evaluated: 2025-01-29. Review status: criteria provided, single submitter. Criteria: Ambry Variant Classification Scheme 2023. Collection method: clinical testing. Allele origin: germline.

NM_007294.4(BRCA1):c.4189A>G (p.Arg1397Gly)

Gene: BRCA1 (BRCA1 DNA repair associated; minus strand). Cytogenetic location: 17q21.31.
Variant type: single nucleotide variant.
Coding change: c.4189A>G on transcript NM_007294.4 (MANE Select); coding-DNA position 4189, A replaced by G.
Protein change: p.Arg1397Gly; replaces arginine 1397 with glycine.
Molecular consequence: missense variant. On other transcripts: non-coding transcript variant (1).
Genome position (GRCh38, 1-based): chr17:43,082,572, T>C on the plus strand (A>G on the coding strand, the complement: BRCA1 is on the minus strand). VCF-style: chr17-43082572-T-C. GRCh37 (hg19) VCF-style: chr17-41234589-T-C.
Other names: c.3976A>G, p.Arg1326Gly (NM_001407571.1, NM_001407853.1, NM_001407894.1 and 12 more transcripts); c.4189A>G, p.Arg1397Gly (NM_001407581.1, NM_001407582.1, NM_001407583.1 and 23 more transcripts); c.4186A>G, p.Arg1396Gly (NM_001407587.1, NM_001407590.1, NM_001407591.1 and 21 more transcripts); c.4183A>G, p.Arg1395Gly (NM_001407644.1, NM_001407645.1, NM_001407627.1 and 5 more transcripts); c.4177A>G, p.Arg1393Gly (NM_001407646.1, NM_001407647.1); c.4105A>G, p.Arg1369Gly (NM_001407659.1, NM_001407660.1); c.4108A>G, p.Arg1370Gly (NM_001407661.1, NM_001407662.1, NM_001407663.1 and 1 more transcripts); c.4066A>G, p.Arg1356Gly (NM_001407664.1, NM_001407665.1, NM_001407666.1 and 13 more transcripts); and 51 more; short protein forms R1350G, R294G, R1397G, R1354G, R1369G, R1396G, R206G, R224G.
Identifiers: ClinVar variation 1508878 (VCV001508878.9), dbSNP rs886037792, ClinGen allele CA10593342.